The following is an entry in ClinVar:

ClinVar aggregate classification (germline): Uncertain significance (1 of 4 stars; one submission).

Submission:

GeneDx
Classification: Uncertain significance. Last evaluated: 2023-04-13. Review status: criteria provided, single submitter. Criteria: GeneDx Variant Classification Process June 2021. Collection method: clinical testing. Allele origin: germline. Affected: yes.
Comment: Not observed at significant frequency in large population cohorts (gnomAD); Missense variants in this gene are often considered pathogenic (HGMD); In silico analysis supports that this missense variant does not alter protein structure/function; Has not been previously published as pathogenic or benign to our knowledge; This variant is associated with the following publications: (PMID: 20829227)

NM_006086.4(TUBB3):c.772G>T (p.Val258Leu)

Gene: TUBB3 (tubulin beta 3 class III; plus strand). Cytogenetic location: 16q24.3.
Variant type: single nucleotide variant.
Coding change: c.772G>T on transcript NM_006086.4 (MANE Select); coding-DNA position 772, G replaced by T.
Protein change: p.Val258Leu; replaces valine 258 with leucine.
Molecular consequence: missense variant.
Genome position (GRCh38, 1-based): chr16:89,935,223, G>T. VCF-style: chr16-89935223-G-T. GRCh37 (hg19) VCF-style: chr16-90001631-G-T.
Other names: c.556G>T, p.Val186Leu (NM_001197181.2); short protein forms V186L, V258L.
Identifiers: ClinVar variation 3343094 (VCV003343094.1).